The following is an entry in ClinVar:

ClinVar aggregate classification (germline): Uncertain significance (1 of 4 stars; one submission).

Conditions:
Zellweger spectrum disorders (ZS). Also called: Zellweger Spectrum Disorder (ZSD); Zellweger syndrome; Zellweger Spectrum Disorder; Zellweger Spectrum. Identifiers: Orphanet 912, MedGen C0043459, MONDO:0019609.

Allele frequency attached by ClinVar (database versions not stated): gnomAD exomes 0.00001.
gnomAD v4.1: 7 of 1,613,892 alleles (0.00043%); highest among the groups gnomAD compares: East Asian, 0.0045%; no homozygotes.

Submission:

Labcorp Genetics (formerly Invitae), Labcorp
Classification: Uncertain significance for Zellweger spectrum disorders. Last evaluated: 2022-03-29. Review status: criteria provided, single submitter. Criteria: Invitae Variant Classification Sherloc (09022015). Collection method: clinical testing. Allele origin: germline.
Comment: This sequence change replaces arginine, which is basic and polar, with glutamine, which is neutral and polar, at codon 1127 of the PEX1 protein (p.Arg1127Gln). This variant is present in population databases (no rsID available, gnomAD 0.0009%). This variant has not been reported in the literature in individuals affected with PEX1-related conditions. Algorithms developed to predict the effect of missense changes on protein structure and function are either unavailable or do not agree on the potential impact of this missense change (SIFT: "Deleterious"; PolyPhen-2: "Probably Damaging"; Align-GVGD: "Class C0"). Algorithms developed to predict the effect of sequence changes on RNA splicing suggest that this variant may create or strengthen a splice site. In summary, the available evidence is currently insufficient to determine the role of this variant in disease. Therefore, it has been classified as a Variant of Uncertain Significance.

NM_000466.3(PEX1):c.3380G>A (p.Arg1127Gln)

Genes: PEX1 (peroxisomal biogenesis factor 1; minus strand), GATAD1 (GATA zinc finger domain containing 1; plus strand). Cytogenetic location: 7q21.2.
Variant type: single nucleotide variant.
Coding change: c.3380G>A on transcript NM_000466.3 (MANE Select); coding-DNA position 3380, G replaced by A.
Protein change: p.Arg1127Gln; replaces arginine 1127 with glutamine.
Molecular consequence: missense variant.
Genome position (GRCh38, 1-based): chr7:92,491,330, C>T on the plus strand (G>A on the coding strand, the complement: PEX1 is on the minus strand). VCF-style: chr7-92491330-C-T. GRCh37 (hg19) VCF-style: chr7-92120644-C-T.
Other names: c.3209G>A, p.Arg1070Gln (NM_001282677.2); c.2756G>A, p.Arg919Gln (NM_001282678.2); short protein forms R1127Q, R1070Q, R919Q.
Identifiers: ClinVar variation 2161225 (VCV002161225.1), dbSNP rs1275807638, ClinGen allele CA368163603.
Genomic context (GRCh38, chr7:92,491,330, plus strand): 5'-ACCAAATCAGAAGAGGTTCCATTTCCAAGTTCTGATTCATAAGAGCTTCCAAAGTAGAGC[C>T]GGTACATATTGAATTTTGATTCATCTGGAAGGATCTCGGACATCTCTAAAGAAACAAGGG-3'
Protein context (NP_000457.1, residues 1117-1137): LPDESKFNMY[Arg1127Gln]LYFGSSYESE